The following is an entry in ClinVar:

ClinVar aggregate classification (germline): Uncertain significance (0 of 4 stars; one submission).

Conditions:
Charcot-Marie-Tooth disease. Also called: Charcot-Marie-Tooth Hereditary Neuropathy; Charcot-Marie-Tooth Neuropathy. Identifiers: Orphanet 166, MedGen C0007959, MONDO:0015626.

Submission:

Dept. of Medical Genetics, Telemark Hospital Trust, Telemark Hospital Trust
Classification: Uncertain significance for Charcot-Marie-Tooth disease. Last evaluated: 2014-10-01. Review status: no assertion criteria provided. Criteria: research. Collection method: research. Allele origin: unknown. Affected: yes. Study: Charcot-Marie-Tooth disease study.
Comment: Populational based study of Charcot-Marie-Tooth disease in Norway

Literature cited by the submitters: PubMed 25648254; PMC 4306395.

Single allele

Gene: SEMA5A (semaphorin 5A; minus strand). Cytogenetic location: 5p15.31.
Variant type: Deletion.
Identifiers: ClinVar variation 190035 (VCV000190035.2).